The following is an entry in ClinVar:

ClinVar aggregate classification (germline): Pathogenic (1 of 4 stars; one submission).

Conditions:
RYR1-related disorder. Also called: RYR1-related condition; RYR1-related disorders. Identifiers: MedGen CN239331.

Submission:

Labcorp Genetics (formerly Invitae), Labcorp
Classification: Pathogenic for RYR1-related disorder. Last evaluated: 2025-12-16. Review status: criteria provided, single submitter. Criteria: Invitae Variant Classification Sherloc (09022015). Collection method: clinical testing. Allele origin: germline.
Comment: This sequence change creates a premature translational stop signal (p.Ile860Metfs*24) in the RYR1 gene. It is expected to result in an absent or disrupted protein product. Loss-of-function variants in RYR1 are known to be pathogenic (PMID: 23919265, 25960145, 28818389, 30611313). This variant is not present in population databases (gnomAD no frequency). This variant has not been reported in the literature in individuals affected with RYR1-related conditions. For these reasons, this variant has been classified as Pathogenic.

Literature cited by the submitters: PubMed 23919265; PubMed 25960145; PubMed 28818389; PubMed 30611313.

NM_000540.3(RYR1):c.2580del (p.Ile860fs)

Gene: RYR1 (ryanodine receptor 1; plus strand). Cytogenetic location: 19q13.2.
Variant type: Deletion.
Coding change: c.2580del on transcript NM_000540.3 (MANE Select); coding-DNA position 2580, one base deleted (T; older notation c.2580delT).
Protein change: p.Ile860fs; shifts the reading frame from isoleucine 860.
Molecular consequence: frameshift variant.
Genome position (GRCh38, 1-based): chr19:38,463,425, T deleted; the last of 2 consecutive T bases (chr19:38,463,424-38,463,425); deleting either gives the same sequence. VCF-style (leftmost placement, unchanged base first): chr19-38463423-AT-A. GRCh37 (hg19) VCF-style: chr19-38954063-AT-A.
Other names: c.2580del, p.Ile860fs (NM_001042723.2); short protein forms I860fs.
Identifiers: ClinVar variation 4733417 (VCV004733417.1).